The following is an entry in ClinVar:

ClinVar aggregate classification (germline): Conflicting classifications of pathogenicity. Review status: criteria provided, conflicting classifications (1 of 4 stars). 6 submissions from 6 submitters: Uncertain significance (1); Benign (1); Likely benign (3). 1 of the submissions does not count toward it. Last evaluated 2026-01-31.

Conditions:
Autosomal recessive nonsyndromic hearing loss 77. Identifiers: Orphanet 90636, MedGen C2746083, MONDO:0013119, OMIM 613079.

Allele frequency attached by ClinVar (database versions not stated): gnomAD 0.00330 and 0.00354; 1000 Genomes Project 0.00359; 1000 Genomes Project 30x 0.00390; TOPMed 0.00400; gnomAD exomes 0.00072; ExAC 0.00121; ESP Exome Variant Server 0.00263.
gnomAD v4.1: 1,022 of 1,551,798 alleles (0.066%); highest among the groups gnomAD compares: African/African-American, 1.1%; 3 homozygotes.

Submissions (6):

Labcorp Genetics (formerly Invitae), Labcorp
Classification: Likely benign. Last evaluated: 2026-01-31. Review status: criteria provided, single submitter. Criteria: Invitae Variant Classification Sherloc (09022015). Collection method: clinical testing. Allele origin: germline.

Blueprint Genetics
Classification: Likely benign. Last evaluated: 2024-10-15. Review status: criteria provided, single submitter. Criteria: ACMG Guidelines, 2015. Collection method: clinical testing. Allele origin: germline.

GeneDx
Classification: Likely benign. Last evaluated: 2018-12-18. Review status: criteria provided, single submitter. Criteria: GeneDx Variant Classification Process June 2021. Collection method: clinical testing. Allele origin: germline. Affected: yes.

Illumina Laboratory Services, Illumina
Classification: Uncertain significance for Autosomal recessive nonsyndromic hearing loss 77. Last evaluated: 2018-01-13. Review status: criteria provided, single submitter. Criteria: ICSL Variant Classification Criteria 13 December 2019. Collection method: clinical testing. Allele origin: germline.

Laboratory for Molecular Medicine, Mass General Brigham Personalized Medicine
Classification: Benign. Last evaluated: 2017-12-21. Review status: criteria provided, single submitter. Criteria: LMM Criteria. Collection method: clinical testing. Allele origin: germline. Observed: 4 variant alleles.
Comment: p.Asp570Asn variant in exon 13 of LOXHD1: This variant is not expected to have c linical significance because it has been identified in 193/16434 (1.2%) African American chromosomes by the genome Aggregation Database (gnomAD; dbSNP rs140437150). ACMG/AMP criteria applied: BA1.

Natera, Inc.
Classification: Likely benign for Autosomal recessive deafness type 77. Last evaluated: 2020-01-02. Review status: no assertion criteria provided. Collection method: clinical testing. Allele origin: germline. Not counted in ClinVar's aggregate classification.

NM_001384474.1(LOXHD1):c.1708G>A (p.Asp570Asn)

Gene: LOXHD1 (lipoxygenase homology PLAT domains 1; minus strand). Cytogenetic location: 18q21.1.
Variant type: single nucleotide variant.
Coding change: c.1708G>A on transcript NM_001384474.1 (MANE Select); coding-DNA position 1708, G replaced by A.
Protein change: p.Asp570Asn; replaces aspartic acid 570 with asparagine.
Molecular consequence: missense variant.
Genome position (GRCh38, 1-based): chr18:46,579,731, C>T on the plus strand (G>A on the coding strand, the complement: LOXHD1 is on the minus strand). VCF-style: chr18-46579731-C-T. GRCh37 (hg19) VCF-style: chr18-44159694-C-T.
Other names: c.1708G>A, p.Asp570Asn (NM_144612.7); short protein forms D570N.
Identifiers: ClinVar variation 47919 (VCV000047919.22), dbSNP rs140437150, ClinGen allele CA142187.
Genomic context (GRCh38, chr18:46,579,731, plus strand): 5'-AGAGCAGCCGTTCCCCCGTGTCCCCCACATCACCAAAAAGGCAGAGATAGACGTTGGCAT[C>T]GGTCCCAGCACCTTCAAGTTCACCTGTGCACACAGTCACATGGTACCGGGCCACTGGCAG-3'
Protein context (NP_001371403.1, residues 560-580): CTGELEGAGT[Asp570Asn]ANVYLCLFGD